The following is an entry in ClinVar:

ClinVar aggregate classification (germline): Uncertain significance. Review status: criteria provided, multiple submitters, no conflicts (2 of 4 stars). 2 submissions from 2 submitters: Uncertain significance (2). Last evaluated 2022-08-09.

Conditions:
Pseudohypoaldosteronism type 2C (PHA2C). Also called: Pseudohypoaldosteronism Type IIC. Identifiers: Orphanet 757, Orphanet 88940, MedGen C1840391, MONDO:0013778, OMIM 614492.
Neuropathy, hereditary sensory and autonomic, type 2A (HSAN2A). Also called: ACROOSTEOLYSIS, GIACCAI TYPE; ACROOSTEOLYSIS, NEUROGENIC; MORVAN DISEASE; NEUROPATHY, CONGENITAL SENSORY; NEUROPATHY, HEREDITARY SENSORY RADICULAR, AUTOSOMAL RECESSIVE; NEUROPATHY, HEREDITARY SENSORY, TYPE IIA. Identifiers: Orphanet 970, MedGen C2752089, MONDO:0024309, OMIM 201300.

Allele frequency attached by ClinVar (database versions not stated): gnomAD exomes below 0.00001 and 0.00002; ExAC 0.00001; gnomAD 0.00001; TOPMed 0.00001; ESP Exome Variant Server 0.00008.
gnomAD v4.1: 28 of 1,613,896 alleles (0.0017%); highest among the groups gnomAD compares: Non-Finnish European, 0.002%; no homozygotes.

Submissions (2):

Labcorp Genetics (formerly Invitae), Labcorp
Classification: Uncertain significance for Neuropathy, hereditary sensory and autonomic, type 2A; Pseudohypoaldosteronism type 2C. Last evaluated: 2022-08-09. Review status: criteria provided, single submitter. Criteria: Invitae Variant Classification Sherloc (09022015). Collection method: clinical testing. Allele origin: germline.
Comment: In summary, the available evidence is currently insufficient to determine the role of this variant in disease. Therefore, it has been classified as a Variant of Uncertain Significance. Advanced modeling of protein sequence and biophysical properties (such as structural, functional, and spatial information, amino acid conservation, physicochemical variation, residue mobility, and thermodynamic stability) performed at Invitae indicates that this missense variant is not expected to disrupt WNK1 protein function. ClinVar contains an entry for this variant (Variation ID: 864218). This variant has not been reported in the literature in individuals affected with WNK1-related conditions. This variant is not present in population databases (gnomAD no frequency). This sequence change replaces glycine, which is neutral and non-polar, with aspartic acid, which is acidic and polar, at codon 1098 of the WNK1 protein (p.Gly1098Asp).

Fulgent Genetics
Classification: Uncertain significance for Neuropathy, hereditary sensory and autonomic, type 2A; Pseudohypoaldosteronism type 2C. Last evaluated: 2021-10-30. Review status: criteria provided, single submitter. Criteria: ACMG Guidelines, 2015. Collection method: clinical testing. Allele origin: unknown.

NM_213655.5(WNK1):c.3293G>A (p.Gly1098Asp)

Gene: WNK1 (WNK lysine deficient protein kinase 1; plus strand). Cytogenetic location: 12p13.33.
Variant type: single nucleotide variant.
Coding change: c.3293G>A on transcript NM_213655.5 (MANE Plus Clinical); coding-DNA position 3293, G replaced by A.
Protein change: p.Gly1098Asp; replaces glycine 1098 with aspartic acid.
Molecular consequence: missense variant. On other transcripts: intron variant (2).
Genome position (GRCh38, 1-based): chr12:868,764, G>A. VCF-style: chr12-868764-G-A. GRCh37 (hg19) VCF-style: chr12-977930-G-A.
Other names: c.3038G>A, p.Gly1013Asp (NM_001184985.2); c.2140-2501G>A (NM_018979.4, NM_014823.3); short protein forms G1013D, G1098D.
Identifiers: ClinVar variation 864218 (VCV000864218.10), dbSNP rs376606314, ClinGen allele CA6382326.